The following is an entry in ClinVar:

ClinVar aggregate classification (germline): Likely benign. Review status: criteria provided, multiple submitters, no conflicts (2 of 4 stars). 3 submissions from 3 submitters: Likely benign (3). Last evaluated 2025-09-05.

Conditions:
Developmental and epileptic encephalopathy, 23 (DEE23). Also called: Epileptic encephalopathy, early infantile, 23. Identifiers: Orphanet 411986, MedGen C4014492, MONDO:0014371, OMIM 615859.

Allele frequency attached by ClinVar (database versions not stated): ExAC 0.00001; gnomAD 0.00001; TOPMed 0.00002; gnomAD exomes 0.00005; ESP Exome Variant Server 0.00008.
gnomAD v4.1: 68 of 1,613,982 alleles (0.0042%); highest among the groups gnomAD compares: Non-Finnish European, 0.0055%; no homozygotes.

Submissions (3):

Labcorp Genetics (formerly Invitae), Labcorp
Classification: Likely benign for Developmental and epileptic encephalopathy, 23. Last evaluated: 2025-09-05. Review status: criteria provided, single submitter. Criteria: Invitae Variant Classification Sherloc (09022015). Collection method: clinical testing. Allele origin: germline.

Genome-Nilou Lab
Classification: Likely benign for Developmental and epileptic encephalopathy, 23. Last evaluated: 2023-04-11. Review status: criteria provided, single submitter. Criteria: ACMG Guidelines, 2015. Collection method: clinical testing. Allele origin: germline. Affected: no.

CeGaT Center for Human Genetics Tuebingen
Classification: Likely benign. Last evaluated: 2022-12-01. Review status: criteria provided, single submitter. Criteria: CeGaT Center For Human Genetics Tuebingen Variant Classification Criteria Version 2. Collection method: clinical testing. Allele origin: germline. Affected: yes. Observed: 1 variant allele.
Comment: DOCK7: BP4

NM_001367561.1(DOCK7):c.5829C>T (p.Tyr1943=)

Gene: DOCK7 (dedicator of cytokinesis 7; minus strand). Cytogenetic location: 1p31.3.
Variant type: single nucleotide variant.
Coding change: c.5829C>T on transcript NM_001367561.1 (MANE Select); coding-DNA position 5829, C replaced by T.
Protein change: p.Tyr1943=; no amino-acid change (tyrosine 1943 retained).
Molecular consequence: synonymous variant.
Genome position (GRCh38, 1-based): chr1:62,475,839, G>A on the plus strand (C>T on the coding strand, the complement: DOCK7 is on the minus strand). VCF-style: chr1-62475839-G-A. GRCh37 (hg19) VCF-style: chr1-62941510-G-A.
Other names: c.5796C>T, p.Tyr1932= (NM_001271999.2); c.5709C>T, p.Tyr1903= (NM_001272000.2); c.5703C>T, p.Tyr1901= (NM_001272001.2); c.5802C>T, p.Tyr1934= (NM_001330614.2); c.5736C>T, p.Tyr1912= (NM_033407.4).
Identifiers: ClinVar variation 2160350 (VCV002160350.28), dbSNP rs369473418, ClinGen allele CA885345.
Genomic context (GRCh38, chr1:62,475,839, plus strand): 5'-CCTTTTGAATTGTTCATGAAGTTCCCCATGGGCACGGCCATCTAAAGTAAAGGGTGTACA[G>A]TACATGAATCGACGAAGATTGTAATTTTTGTCGAAATAGGTGATTCTGTCCTTCATCTCA-3'
Protein context (NP_001354490.1, residues 1933-1953): DKNYNLRRFM[Tyr1943=]CTPFTLDGRA